The following is an entry in ClinVar:

ClinVar aggregate classification (germline): Uncertain significance (1 of 4 stars; one submission).

Allele frequency attached by ClinVar (database versions not stated): gnomAD exomes below 0.00001; gnomAD 0.00001.
gnomAD v4.1: 2 of 1,603,820 alleles (0.00012%); highest among the groups gnomAD compares: Admixed American, 0.0033%; no homozygotes.

Submission:

Labcorp Genetics (formerly Invitae), Labcorp
Classification: Uncertain significance. Last evaluated: 2022-05-11. Review status: criteria provided, single submitter. Criteria: Invitae Variant Classification Sherloc (09022015). Collection method: clinical testing. Allele origin: germline.
Comment: Algorithms developed to predict the effect of missense changes on protein structure and function are either unavailable or do not agree on the potential impact of this missense change (SIFT: "Deleterious"; PolyPhen-2: "Possibly Damaging"; Align-GVGD: "Class C0"). This variant has not been reported in the literature in individuals affected with ADGRV1-related conditions. This variant is present in population databases (no rsID available, gnomAD 0.1%). This sequence change replaces threonine, which is neutral and polar, with alanine, which is neutral and non-polar, at codon 1108 of the ADGRV1 protein (p.Thr1108Ala). In summary, the available evidence is currently insufficient to determine the role of this variant in disease. Therefore, it has been classified as a Variant of Uncertain Significance.

NM_032119.4(ADGRV1):c.3322A>G (p.Thr1108Ala)

Gene: ADGRV1 (adhesion G protein-coupled receptor V1; plus strand). Cytogenetic location: 5q14.3.
Variant type: single nucleotide variant.
Coding change: c.3322A>G on transcript NM_032119.4 (MANE Select); coding-DNA position 3322, A replaced by G.
Protein change: p.Thr1108Ala; replaces threonine 1108 with alanine.
Molecular consequence: missense variant. On other transcripts: non-coding transcript variant (1).
Genome position (GRCh38, 1-based): chr5:90,651,636, A>G. VCF-style: chr5-90651636-A-G. GRCh37 (hg19) VCF-style: chr5-89947453-A-G.
Other names: short protein forms T1108A.
Identifiers: ClinVar variation 2098087 (VCV002098087.4), dbSNP rs1161827715, ClinGen allele CA360395649.